The following is an entry in ClinVar:

ClinVar aggregate classification (germline): Uncertain significance (1 of 4 stars; one submission).

Allele frequency attached by ClinVar (database versions not stated): gnomAD exomes below 0.00001; ExAC 0.00001; ESP Exome Variant Server 0.00008.
gnomAD v4.1: 5 of 1,610,298 alleles (0.00031%); highest among the groups gnomAD compares: Non-Finnish European, 0.00034%; no homozygotes.

Submission:

Labcorp Genetics (formerly Invitae), Labcorp
Classification: Uncertain significance. Last evaluated: 2021-09-24. Review status: criteria provided, single submitter. Criteria: Invitae Variant Classification Sherloc (09022015). Collection method: clinical testing. Allele origin: germline.
Comment: This sequence change replaces valine with glycine at codon 530 of the MME protein (p.Val530Gly). The valine residue is highly conserved and there is a moderate physicochemical difference between valine and glycine. This variant is present in population databases (rs144240445, ExAC 0.002%). This variant has not been reported in the literature in individuals with MME-related conditions. Algorithms developed to predict the effect of missense changes on protein structure and function are either unavailable or do not agree on the potential impact of this missense change (SIFT: "Deleterious"; PolyPhen-2: "Probably Damaging"; Align-GVGD: "Class C0"). In summary, the available evidence is currently insufficient to determine the role of this variant in disease. Therefore, it has been classified as a Variant of Uncertain Significance.

NM_007289.4(MME):c.1589T>G (p.Val530Gly)

Gene: MME (membrane metalloendopeptidase; plus strand). Cytogenetic location: 3q25.2.
Variant type: single nucleotide variant.
Coding change: c.1589T>G on transcript NM_007289.4 (MANE Select); coding-DNA position 1589, T replaced by G.
Protein change: p.Val530Gly; replaces valine 530 with glycine.
Molecular consequence: missense variant.
Genome position (GRCh38, 1-based): chr3:155,148,641, T>G. VCF-style: chr3-155148641-T-G. GRCh37 (hg19) VCF-style: chr3-154866430-T-G.
Other names: c.1589T>G, p.Val530Gly (NM_000902.5, NM_001354642.2, NM_001354643.1 and 2 more transcripts); short protein forms V530G.
Identifiers: ClinVar variation 1389851 (VCV001389851.5), dbSNP rs144240445, ClinGen allele CA2675559.
Genomic context (GRCh38, chr3:155,148,641, plus strand): 5'-ACATAATTCAAAATTTGAAATTCAGCCAAAGTAAACAACTGAAGAAGCTCCGAGAAAAGG[T>G]GGACAAAGATGAGTGCGTATATTCTCATTTCTAATGTGATCATCTAGAAGCAGGTCTTTC-3'
Protein context (NP_009220.2, residues 520-540): SKQLKKLREK[Val530Gly]DKDEWISGAA